The following is an entry in ClinVar:

NM_001127208.3(TET2):c.323A>T (p.Gln108Leu)

Genes: TET2 (tet methylcytosine dioxygenase 2; plus strand), TET2-AS1 (TET2 antisense RNA 1; minus strand). Cytogenetic location: 4q24.
Variant type: single nucleotide variant.
Coding change: c.323A>T on transcript NM_001127208.3 (MANE Select); coding-DNA position 323, A replaced by T.
Protein change: p.Gln108Leu; replaces glutamine 108 with leucine.
Molecular consequence: missense variant.
Genome position (GRCh38, 1-based): chr4:105,234,265, A>T. VCF-style: chr4-105234265-A-T. GRCh37 (hg19) VCF-style: chr4-106155422-A-T.
Other names: c.323A>T, p.Gln108Leu (NM_017628.4); short protein forms Q108L.
Identifiers: ClinVar variation 2756229 (VCV002756229.2), dbSNP rs149373293, ClinGen allele CA3031477.

ClinVar aggregate classification (germline): Uncertain significance (1 of 4 stars; one submission).

Allele frequency attached by ClinVar (database versions not stated): gnomAD exomes 0.00005; ExAC 0.00007; TOPMed 0.00006; gnomAD 0.00007; ESP Exome Variant Server 0.00008.
gnomAD v4.1: 85 of 1,613,958 alleles (0.0053%); highest among the groups gnomAD compares: Non-Finnish European, 0.0071%; no homozygotes.

Submission:

Labcorp Genetics (formerly Invitae), Labcorp
Classification: Uncertain significance. Last evaluated: 2025-05-18. Review status: criteria provided, single submitter. Criteria: Invitae Variant Classification Sherloc (09022015). Collection method: clinical testing. Allele origin: germline.
Comment: This sequence change replaces glutamine, which is neutral and polar, with leucine, which is neutral and non-polar, at codon 108 of the TET2 protein (p.Gln108Leu). This variant is present in population databases (rs149373293, gnomAD 0.01%). This variant has not been reported in the literature in individuals affected with TET2-related conditions. ClinVar contains an entry for this variant (Variation ID: 2756229). An algorithm developed to predict the effect of missense changes on protein structure and function outputs the following: PolyPhen-2: "Benign". The leucine amino acid residue is found in multiple mammalian species, which suggests that this missense change does not adversely affect protein function. In summary, the available evidence is currently insufficient to determine the role of this variant in disease. Therefore, it has been classified as a Variant of Uncertain Significance.